The following is an entry in ClinVar:

NM_006593.4(TBR1):c.1089G>C (p.Glu363Asp)

Gene: TBR1 (T-box brain transcription factor 1; plus strand). Cytogenetic location: 2q24.2.
Variant type: single nucleotide variant.
Coding change: c.1089G>C on transcript NM_006593.4 (MANE Select); coding-DNA position 1089, G replaced by C.
Protein change: p.Glu363Asp; replaces glutamic acid 363 with aspartic acid.
Molecular consequence: missense variant.
Genome position (GRCh38, 1-based): chr2:161,419,011, G>C. VCF-style: chr2-161419011-G-C. GRCh37 (hg19) VCF-style: chr2-162275522-G-C.
Other names: short protein forms E363D.
Identifiers: ClinVar variation 3026697 (VCV003026697.22), dbSNP rs2468093870, ClinGen allele CA349212925.

ClinVar aggregate classification (germline): Uncertain significance (1 of 4 stars; one submission).

Submission:

CeGaT Center for Human Genetics Tuebingen
Classification: Uncertain significance. Last evaluated: 2023-12-01. Review status: criteria provided, single submitter. Criteria: CeGaT Center For Human Genetics Tuebingen Variant Classification Criteria Version 2. Collection method: clinical testing. Allele origin: germline. Affected: yes. Observed: 1 variant allele.
Comment: TBR1: PM2, PP2, PP3